The following is an entry in ClinVar:

NM_006129.5(BMP1):c.*2C>T

Gene: BMP1 (bone morphogenetic protein 1; plus strand). Cytogenetic location: 8p21.3.
Variant type: single nucleotide variant.
Coding change: c.*2C>T on transcript NM_006129.5 (MANE Select); 2 bases downstream of the stop codon, C replaced by T.
Molecular consequence: 3 prime UTR variant. On other transcripts: non-coding transcript variant (1).
Genome position (GRCh38, 1-based): chr8:22,211,730, C>T. VCF-style: chr8-22211730-C-T. GRCh37 (hg19) VCF-style: chr8-22069243-C-T.
Identifiers: ClinVar variation 3896230 (VCV003896230.2).

ClinVar aggregate classification (germline): Uncertain significance (1 of 4 stars; one submission).

gnomAD v4.1: 189 of 1,614,056 alleles (0.012%); highest among the groups gnomAD compares: Non-Finnish European, 0.015%; 1 homozygote.

Submission:

Women's Health and Genetics/Laboratory Corporation of America, LabCorp
Classification: Uncertain significance. Last evaluated: 2025-04-16. Review status: criteria provided, single submitter. Criteria: LabCorp Variant Classification Summary - May 2015. Collection method: clinical testing. Allele origin: germline.
Comment: Variant summary: BMP1 c.*2C>T is located in the untranslated mRNA region downstream of the termination codon. The variant allele was found at a frequency of 8.4e-05 in 250544 control chromosomes in the gnomAD database, including 1 homozygotes. This frequency is not significantly higher than estimated for a pathogenic variant in BMP1 causing Osteogenesis Imperfecta (8.4e-05 vs 0.0011), allowing no conclusion about variant significance. To our knowledge, no occurrence of c.*2C>T in individuals affected with Osteogenesis Imperfecta and no experimental evidence demonstrating its impact on protein function have been reported. No submitters have cited clinical-significance assessments for this variant to ClinVar. Based on the evidence outlined above, the variant was classified as uncertain significance.